The following is an entry in ClinVar:

NM_000289.6(PFKM):c.1807C>T (p.Arg603Ter)

Gene: PFKM (phosphofructokinase, muscle; plus strand). Cytogenetic location: 12q13.11.
Variant type: single nucleotide variant.
Coding change: c.1807C>T on transcript NM_000289.6 (MANE Select); coding-DNA position 1807, C replaced by T.
Protein change: p.Arg603Ter; replaces arginine 603 with a stop codon.
Molecular consequence: nonsense. On other transcripts: non-coding transcript variant (6).
Genome position (GRCh38, 1-based): chr12:48,142,935, C>T. VCF-style: chr12-48142935-C-T. GRCh37 (hg19) VCF-style: chr12-48536718-C-T.
Other names: c.2020C>T, p.Arg674Ter (NM_001166686.2, NM_001354737.1, NM_001354738.1 and 1 more transcripts); c.1807C>T, p.Arg603Ter (NM_001166687.2, NM_001166688.2, NM_001354742.2 and 2 more transcripts); c.2116C>T, p.Arg706Ter (NM_001354735.1, NM_001354736.1); c.1951C>T, p.Arg651Ter (NM_001354740.1); c.1831C>T, p.Arg611Ter (NM_001354741.2); c.1720C>T, p.Arg574Ter (NM_001354745.2); c.1681C>T, p.Arg561Ter (NM_001354746.2); c.1657C>T, p.Arg553Ter (NM_001354747.2, NM_001354748.2); and 1 more; short protein forms R561*, R674*, R553*, R574*, R603*, R651*, R706*, R572*.
Identifiers: ClinVar variation 2196187 (VCV002196187.7), dbSNP rs1392144132, ClinGen allele CA384554557.

ClinVar aggregate classification (germline): Pathogenic/Likely pathogenic. Review status: criteria provided, multiple submitters, no conflicts (2 of 4 stars). 2 submissions from 2 submitters: Pathogenic (1); Likely pathogenic (1). Last evaluated 2024-01-03.

Conditions:
Glycogen storage disease, type VII (GSD7). Also called: GSD VII; MUSCLE PHOSPHOFRUCTOKINASE DEFICIENCY; PFKM DEFICIENCY; TARUI DISEASE. Identifiers: Orphanet 371, MedGen C0017926, MONDO:0009295, OMIM 232800.

Allele frequency attached by ClinVar (database versions not stated): TOPMed below 0.00001.
gnomAD v4.1: 6 of 1,613,806 alleles (0.00037%); highest among the groups gnomAD compares: Non-Finnish European, 0.00042%; no homozygotes.

Submissions (2):

Fulgent Genetics
Classification: Likely pathogenic for Glycogen storage disease, type VII. Last evaluated: 2024-01-03. Review status: criteria provided, single submitter. Criteria: ACMG Guidelines, 2015. Collection method: clinical testing. Allele origin: germline.

Labcorp Genetics (formerly Invitae), Labcorp
Classification: Pathogenic for Glycogen storage disease, type VII. Last evaluated: 2023-04-15. Review status: criteria provided, single submitter. Criteria: Invitae Variant Classification Sherloc (09022015). Collection method: clinical testing. Allele origin: germline.
Comment: This variant has not been reported in the literature in individuals affected with PFKM-related conditions. This variant is not present in population databases (gnomAD no frequency). This sequence change creates a premature translational stop signal (p.Arg603*) in the PFKM gene. It is expected to result in an absent or disrupted protein product. Loss-of-function variants in PFKM are known to be pathogenic (PMID: 7825568, 8037209). ClinVar contains an entry for this variant (Variation ID: 2196187). For these reasons, this variant has been classified as Pathogenic.

Literature cited by the submitters: PubMed 7825568 (cited by Labcorp Genetics (formerly Invitae), Labcorp); PubMed 8037209 (cited by Labcorp Genetics (formerly Invitae), Labcorp).